The following is an entry in ClinVar:

NM_000038.6(APC):c.5599T>G (p.Phe1867Val)

Gene: APC (APC regulator of Wnt signaling pathway; plus strand). Cytogenetic location: 5q22.2.
Variant type: single nucleotide variant.
Coding change: c.5599T>G on transcript NM_000038.6 (MANE Select); coding-DNA position 5599, T replaced by G.
Protein change: p.Phe1867Val; replaces phenylalanine 1867 with valine.
Molecular consequence: missense variant.
Genome position (GRCh38, 1-based): chr5:112,841,193, T>G. VCF-style: chr5-112841193-T-G. GRCh37 (hg19) VCF-style: chr5-112176890-T-G.
Other names: c.5599T>G, p.Phe1867Val (NM_001127510.3, NM_001354895.2); c.5545T>G, p.Phe1849Val (NM_001127511.3); c.5653T>G, p.Phe1885Val (NM_001354896.2); c.5629T>G, p.Phe1877Val (NM_001354897.2); c.5524T>G, p.Phe1842Val (NM_001354898.2); c.5515T>G, p.Phe1839Val (NM_001354899.2); c.5476T>G, p.Phe1826Val (NM_001354900.2); c.5422T>G, p.Phe1808Val (NM_001354901.2); and 5 more; short protein forms F1766V, F1584V, F1808V, F1842V, F1867V, F1885V, F1741V, F1776V.
Identifiers: ClinVar variation 1362094 (VCV001362094.10), dbSNP rs2149944240, ClinGen allele CA16033585.
Genomic context (GRCh38, chr5:112,841,193, plus strand): 5'-ACGCCTATTGAAGGAACTCCTTACTGTTTTTCACGAAATGATTCTTTGAGTTCTCTAGAT[T>G]TTGATGATGATGATGTTGACCTTTCCAGGGAAAAGGCTGAATTAAGAAAGGCAAAAGAAA-3'
Protein context (NP_000029.2, residues 1857-1877): SRNDSLSSLD[Phe1867Val]DDDDVDLSRE

ClinVar aggregate classification (germline): Uncertain significance. Review status: criteria provided, multiple submitters, no conflicts (2 of 4 stars). 3 submissions from 3 submitters: Uncertain significance (3). Last evaluated 2025-02-02.

Conditions:
Hereditary cancer-predisposing syndrome. Also called: Tumor predisposition; Hereditary neoplastic syndrome; Neoplastic Syndromes, Hereditary; Hereditary Cancer Syndrome. Identifiers: Orphanet 140162, MedGen C0027672, MeSH D009386, MONDO:0015356.
Familial adenomatous polyposis 1 (FAP1). Also called: FAMILIAL ADENOMATOUS POLYPOSIS 1, ATTENUATED; POLYPOSIS, ADENOMATOUS INTESTINAL. Identifiers: MedGen C2713442, MONDO:0021056, OMIM 175100. Disease mechanism: loss of function.

Submissions (3):

Color Diagnostics, LLC DBA Color Health
Classification: Uncertain significance for Hereditary cancer-predisposing syndrome. Last evaluated: 2025-02-02. Review status: criteria provided, single submitter. Criteria: ACMG Guidelines, 2015. Collection method: clinical testing. Allele origin: germline.
Comment: This missense variant replaces phenylalanine with valine at codon 1867 of the APC protein. Computational prediction suggests that this variant may not impact protein structure and function (internally defined REVEL score threshold <= 0.5, PMID: 27666373). To our knowledge, functional studies have not been reported for this variant. This variant has not been reported in individuals affected with APC-related disorders in the literature. This variant has not been identified in the general population by the Genome Aggregation Database (gnomAD). The available evidence is insufficient to determine the role of this variant in disease conclusively. Therefore, this variant is classified as a Variant of Uncertain Significance.

Labcorp Genetics (formerly Invitae), Labcorp
Classification: Uncertain significance for Familial adenomatous polyposis 1. Last evaluated: 2025-01-22. Review status: criteria provided, single submitter. Criteria: Invitae Variant Classification Sherloc (09022015). Collection method: clinical testing. Allele origin: germline.
Comment: This sequence change replaces phenylalanine, which is neutral and non-polar, with valine, which is neutral and non-polar, at codon 1867 of the APC protein (p.Phe1867Val). This variant is not present in population databases (gnomAD no frequency). This variant has not been reported in the literature in individuals affected with APC-related conditions. ClinVar contains an entry for this variant (Variation ID: 1362094). Invitae Evidence Modeling of protein sequence and biophysical properties (such as structural, functional, and spatial information, amino acid conservation, physicochemical variation, residue mobility, and thermodynamic stability) indicates that this missense variant is not expected to disrupt APC protein function with a negative predictive value of 95%. In summary, the available evidence is currently insufficient to determine the role of this variant in disease. Therefore, it has been classified as a Variant of Uncertain Significance.

Ambry Genetics
Classification: Uncertain significance for Hereditary cancer-predisposing syndrome. Last evaluated: 2024-11-21. Review status: criteria provided, single submitter. Criteria: Ambry Variant Classification Scheme 2023. Collection method: clinical testing. Allele origin: germline.
Comment: The p.F1867V variant (also known as c.5599T>G), located in coding exon 15 of the APC gene, results from a T to G substitution at nucleotide position 5599. The phenylalanine at codon 1867 is replaced by valine, an amino acid with highly similar properties. This amino acid position is highly conserved in available vertebrate species. In addition, in silico predictors for this gene do not accurately predict pathogenicity. Missense alterations in APC are not a common cause of disease (Spier I et al. Genet Med. 2024 Feb;26(2):100992). Based on the available evidence, the clinical significance of this variant remains unclear.